The following is an entry in ClinVar:

NM_001023.4(RPS20):c.104-5T>C

Gene: RPS20 (ribosomal protein S20; minus strand). Cytogenetic location: 8q12.1.
Variant type: single nucleotide variant.
Coding change: c.104-5T>C on transcript NM_001023.4 (MANE Select); 5 bases into the intron before coding-DNA position 104, T replaced by C.
Molecular consequence: intron variant.
Genome position (GRCh38, 1-based): chr8:56,073,773, A>G on the plus strand (T>C on the coding strand, the complement: RPS20 is on the minus strand). VCF-style: chr8-56073773-A-G. GRCh37 (hg19) VCF-style: chr8-56986332-A-G.
Other names: c.104-5T>C (NM_001146227.3).
Identifiers: ClinVar variation 5042406 (VCV005042406.1).
Genomic context (GRCh38, chr8:56,073,773, plus strand): 5'-TGGTCCTTTCACTTTGAGATTCTTTTCTTTTGCGCCTCTTATCAAGTCAGCACACACTAC[A>G]GGAAATAAAAGACCTCTCAGTATAATCGAAACAATTAAAATCGGCTTAAGGCCTTCACTT-3'

ClinVar aggregate classification (germline): Likely benign (1 of 4 stars; one submission).

Conditions:
Familial colorectal cancer type X. Identifiers: Orphanet 440437, MedGen C3896578, MONDO:0018604.

Submission:

Myriad Genetics, Inc.
Classification: Likely benign for Familial colorectal cancer type X. Last evaluated: 2026-07-31. Review status: criteria provided, single submitter. Criteria: Myriad Autosomal Dominant, Autosomal Recessive and X-Linked Classification Criteria (2023). Collection method: clinical testing. Allele origin: unknown.
Comment: This variant is considered likely benign. This variant is intronic and is not expected to impact mRNA splicing.